The following is an entry in ClinVar:

ClinVar aggregate classification (germline): Uncertain significance. Review status: criteria provided, multiple submitters, no conflicts (2 of 4 stars). 2 submissions from 2 submitters: Uncertain significance (2). Last evaluated 2025-12-09.

Conditions:
Inborn genetic diseases. Identifiers: MedGen C0950123, MeSH D030342.
Mosaic variegated aneuploidy syndrome 1 (MVA1). Also called: Warburton-Anyane-Yeboa syndrome. Identifiers: Orphanet 1052, MedGen C1850343, MONDO:0009759, OMIM 257300.

Allele frequency attached by ClinVar (database versions not stated): gnomAD exomes 0.00002 and 0.00004; gnomAD 0.00001; ExAC 0.00002.
gnomAD v4.1: 56 of 1,613,990 alleles (0.0035%); highest among the groups gnomAD compares: Non-Finnish European, 0.0046%; no homozygotes.

Submissions (2):

Labcorp Genetics (formerly Invitae), Labcorp
Classification: Uncertain significance for Mosaic variegated aneuploidy syndrome 1. Last evaluated: 2025-12-09. Review status: criteria provided, single submitter. Criteria: Invitae Variant Classification Sherloc (09022015). Collection method: clinical testing. Allele origin: germline.
Comment: This sequence change replaces glycine, which is neutral and non-polar, with aspartic acid, which is acidic and polar, at codon 325 of the BUB1B protein (p.Gly325Asp). This variant is present in population databases (rs749377720, gnomAD 0.004%). This variant has not been reported in the literature in individuals affected with BUB1B-related conditions. ClinVar contains an entry for this variant (Variation ID: 648700). An algorithm developed to predict the effect of missense changes on protein structure and function outputs the following: PolyPhen-2: "Benign". The aspartic acid amino acid residue is found in multiple mammalian species, which suggests that this missense change does not adversely affect protein function. In summary, the available evidence is currently insufficient to determine the role of this variant in disease. Therefore, it has been classified as a Variant of Uncertain Significance.

Ambry Genetics
Classification: Uncertain significance for Inborn genetic diseases. Last evaluated: 2024-01-25. Review status: criteria provided, single submitter. Criteria: Ambry Variant Classification Scheme 2023. Collection method: clinical testing. Allele origin: germline.
Comment: The p.G325D variant (also known as c.974G>A), located in coding exon 8 of the BUB1B gene, results from a G to A substitution at nucleotide position 974. The glycine at codon 325 is replaced by aspartic acid, an amino acid with similar properties. This amino acid position is conserved. In addition, this alteration is predicted to be tolerated by in silico analysis. Since supporting evidence is limited at this time, the clinical significance of this alteration remains unclear.

NM_001211.6(BUB1B):c.974G>A (p.Gly325Asp)

Gene: BUB1B (BUB1 mitotic checkpoint serine/threonine kinase B; plus strand). Cytogenetic location: 15q15.1.
Variant type: single nucleotide variant.
Coding change: c.974G>A on transcript NM_001211.6 (MANE Select); coding-DNA position 974, G replaced by A.
Protein change: p.Gly325Asp; replaces glycine 325 with aspartic acid.
Molecular consequence: missense variant.
Genome position (GRCh38, 1-based): chr15:40,185,558, G>A. VCF-style: chr15-40185558-G-A. GRCh37 (hg19) VCF-style: chr15-40477759-G-A.
Other names: short protein forms G325D.
Identifiers: ClinVar variation 648700 (VCV000648700.12), dbSNP rs749377720, ClinGen allele CA7475620.